The following is an entry in ClinVar:

NM_031935.3(HMCN1):c.12604T>A (p.Trp4202Arg)

Gene: HMCN1 (hemicentin 1; plus strand). Cytogenetic location: 1q31.1.
Variant type: single nucleotide variant.
Coding change: c.12604T>A on transcript NM_031935.3 (MANE Select); coding-DNA position 12604, T replaced by A.
Protein change: p.Trp4202Arg; replaces tryptophan 4202 with arginine.
Molecular consequence: missense variant.
Genome position (GRCh38, 1-based): chr1:186,125,708, T>A. VCF-style: chr1-186125708-T-A. GRCh37 (hg19) VCF-style: chr1-186094840-T-A.
Other names: short protein forms W4202R.
Identifiers: ClinVar variation 1956631 (VCV001956631.5), dbSNP rs1661608972, ClinGen allele CA343904086.

ClinVar aggregate classification (germline): Uncertain significance (1 of 4 stars; one submission).

Allele frequency attached by ClinVar (database versions not stated): TOPMed below 0.00001.

Submission:

Labcorp Genetics (formerly Invitae), Labcorp
Classification: Uncertain significance. Last evaluated: 2021-12-21. Review status: criteria provided, single submitter. Criteria: Invitae Variant Classification Sherloc (09022015). Collection method: clinical testing. Allele origin: germline.
Comment: In summary, the available evidence is currently insufficient to determine the role of this variant in disease. Therefore, it has been classified as a Variant of Uncertain Significance. Algorithms developed to predict the effect of missense changes on protein structure and function (SIFT, PolyPhen-2, Align-GVGD) all suggest that this variant is likely to be disruptive. This variant has not been reported in the literature in individuals affected with HMCN1-related conditions. This variant is not present in population databases (gnomAD no frequency). This sequence change replaces tryptophan, which is neutral and slightly polar, with arginine, which is basic and polar, at codon 4202 of the HMCN1 protein (p.Trp4202Arg).